The following is an entry in ClinVar:

NM_017654.4(SAMD9):c.649A>C (p.Asn217His)

Gene: SAMD9 (sterile alpha motif domain containing 9; minus strand). Cytogenetic location: 7q21.2.
Variant type: single nucleotide variant.
Coding change: c.649A>C on transcript NM_017654.4 (MANE Select); coding-DNA position 649, A replaced by C.
Protein change: p.Asn217His; replaces asparagine 217 with histidine.
Molecular consequence: missense variant.
Genome position (GRCh38, 1-based): chr7:93,105,449, T>G on the plus strand (A>C on the coding strand, the complement: SAMD9 is on the minus strand). VCF-style: chr7-93105449-T-G. GRCh37 (hg19) VCF-style: chr7-92734762-T-G.
Other names: c.649A>C, p.Asn217His (NM_001193307.2); short protein forms N217H.
Identifiers: ClinVar variation 3670197 (VCV003670197.2).
Genomic context (GRCh38, chr7:93,105,449, plus strand): 5'-AATGAATAGTGCCATTGGTACGTGAATTCATACAAGCTGAAGCAAATCGGAAAACCTCAT[T>G]GCTAAATTTCATCTTGACATCCTCTTCTGTGGCTGTTGCTGTATTTGTGAAGGCTTTGAA-3'
Protein context (NP_060124.2, residues 207-227): TEEDVKMKFS[Asn217His]EVFRFASACM

ClinVar aggregate classification (germline): Uncertain significance (1 of 4 stars; one submission).

Submission:

Labcorp Genetics (formerly Invitae), Labcorp
Classification: Uncertain significance. Last evaluated: 2024-04-16. Review status: criteria provided, single submitter. Criteria: Invitae Variant Classification Sherloc (09022015). Collection method: clinical testing. Allele origin: germline.
Comment: This sequence change replaces asparagine, which is neutral and polar, with histidine, which is basic and polar, at codon 217 of the SAMD9 protein (p.Asn217His). This variant is not present in population databases (gnomAD no frequency). This variant has not been reported in the literature in individuals affected with SAMD9-related conditions. Advanced modeling of protein sequence and biophysical properties (such as structural, functional, and spatial information, amino acid conservation, physicochemical variation, residue mobility, and thermodynamic stability) has been performed at Invitae for this missense variant, however the output from this modeling did not meet the statistical confidence thresholds required to predict the impact of this variant on SAMD9 protein function. In summary, the available evidence is currently insufficient to determine the role of this variant in disease. Therefore, it has been classified as a Variant of Uncertain Significance.